The following is an entry in ClinVar:

NM_030777.4(SLC2A10):c.829G>A (p.Gly277Ser)

Gene: SLC2A10 (solute carrier family 2 member 10; plus strand). Cytogenetic location: 20q13.12.
Variant type: single nucleotide variant.
Coding change: c.829G>A on transcript NM_030777.4 (MANE Select); coding-DNA position 829, G replaced by A.
Protein change: p.Gly277Ser; replaces glycine 277 with serine.
Molecular consequence: missense variant.
Genome position (GRCh38, 1-based): chr20:46,725,865, G>A. VCF-style: chr20-46725865-G-A. GRCh37 (hg19) VCF-style: chr20-45354504-G-A.
Other names: short protein forms G277S.
Identifiers: ClinVar variation 4167456 (VCV004167456.1).
Genomic context (GRCh38, chr20:46,725,865, plus strand): 5'-ATCTTCAGCTCCGTTGGTTTCCATGGGGGATCCTCAGCCGTGCTGGCCTCTGTGGGGCTT[G>A]GCGCAGTGAAGGTGGCAGCTACCCTGACCGCCATGGGGCTGGTGGACCGTGCAGGCCGCA-3'
Protein context (NP_110404.1, residues 267-287): SSAVLASVGL[Gly277Ser]AVKVAATLTA

ClinVar aggregate classification (germline): Uncertain significance (1 of 4 stars; one submission).

Conditions:
Familial thoracic aortic aneurysm and aortic dissection (TAAD). Also called: Thoracic aortic aneurysms and dissections. Identifiers: Orphanet 91387, MedGen C4707243, MONDO:0019625.

Submission:

Ambry Genetics
Classification: Uncertain significance for Familial thoracic aortic aneurysm and aortic dissection. Last evaluated: 2025-06-22. Review status: criteria provided, single submitter. Criteria: Ambry Variant Classification Scheme 2023. Collection method: clinical testing. Allele origin: germline.
Comment: The p.G277S variant (also known as c.829G>A), located in coding exon 2 of the SLC2A10 gene, results from a G to A substitution at nucleotide position 829. The glycine at codon 277 is replaced by serine, an amino acid with similar properties. This amino acid position is conserved. In addition, this alteration is predicted to be deleterious by in silico analysis. Based on the available evidence, the clinical significance of this variant remains unclear.